The following is an entry in ClinVar:

ClinVar aggregate classification (germline): Pathogenic (1 of 4 stars; one submission).

Submission:

Labcorp Genetics (formerly Invitae), Labcorp
Classification: Pathogenic. Last evaluated: 2024-02-05. Review status: criteria provided, single submitter. Criteria: Invitae Variant Classification Sherloc (09022015). Collection method: clinical testing. Allele origin: germline.
Comment: This sequence change creates a premature translational stop signal (p.Thr241Profs*14) in the CCDC88C gene. It is expected to result in an absent or disrupted protein product. Loss-of-function variants in CCDC88C are known to be pathogenic (PMID: 23042809, 29225145). This variant is not present in population databases (gnomAD no frequency). This variant has not been reported in the literature in individuals affected with CCDC88C-related conditions. ClinVar contains an entry for this variant (Variation ID: 2115441). For these reasons, this variant has been classified as Pathogenic.

Literature cited by the submitters: PubMed 23042809; PubMed 29225145.

NM_001080414.4(CCDC88C):c.720del (p.Thr241fs)

Gene: CCDC88C (coiled-coil and HOOK domain protein 88C; minus strand). Cytogenetic location: 14q32.11.
Variant type: Deletion.
Coding change: c.720del on transcript NM_001080414.4 (MANE Select); coding-DNA position 720, one base deleted (C; older notation c.720delC).
Protein change: p.Thr241fs; shifts the reading frame from threonine 241.
Molecular consequence: frameshift variant.
Genome position (GRCh38, 1-based): chr14:91,339,367, G deleted on the plus strand (C on the coding strand, the reverse complement: CCDC88C is on the minus strand); the first of 4 consecutive G bases (chr14:91,339,367-91,339,370); deleting any one gives the same sequence. VCF-style (leftmost placement, unchanged base first): chr14-91339366-TG-T. GRCh37 (hg19) VCF-style: chr14-91805710-TG-T.
Other names: short protein forms T241fs.
Identifiers: ClinVar variation 2115441 (VCV002115441.4), dbSNP rs2544467143, ClinGen allele CA2580088914.
Genomic context (GRCh38, chr14:91,339,366, plus strand): 5'-CCTTGGTGTCGGCCAGCTCTACGGCCAGGTGCTGCTTGTCTTCGCTAGAGAGGCTGCTGG[TG>T]GGGCTGGGAGTGGAGTCGGCGCTGGAGGACTTGATGGGGCTGGGTGGATGCTGTGCCTGC-3'